The following is an entry in ClinVar:

NM_001364905.1(LRBA):c.4927A>G (p.Thr1643Ala)

Gene: LRBA (LPS responsive beige-like anchor protein; minus strand). Cytogenetic location: 4q31.3.
Variant type: single nucleotide variant.
Coding change: c.4927A>G on transcript NM_001364905.1 (MANE Select); coding-DNA position 4927, A replaced by G.
Protein change: p.Thr1643Ala; replaces threonine 1643 with alanine.
Molecular consequence: missense variant.
Genome position (GRCh38, 1-based): chr4:150,828,424, T>C on the plus strand (A>G on the coding strand, the complement: LRBA is on the minus strand). VCF-style: chr4-150828424-T-C. GRCh37 (hg19) VCF-style: chr4-151749576-T-C.
Other names: c.4927A>G, p.Thr1643Ala (NM_001199282.3, NM_001367550.1, NM_006726.5); short protein forms T1643A.
Identifiers: ClinVar variation 1917376 (VCV001917376.3), dbSNP rs528897020, ClinGen allele CA107799682.

ClinVar aggregate classification (germline): Uncertain significance (1 of 4 stars; one submission).

Conditions:
Combined immunodeficiency due to LRBA deficiency. Also called: Common variable immunodeficiency 8, with autoimmunity. Identifiers: Orphanet 445018, MedGen C3553512, MONDO:0013863, OMIM 614700.

Allele frequency attached by ClinVar (database versions not stated): gnomAD 0.00001.
gnomAD v4.1: 9 of 1,613,982 alleles (0.00056%); highest among the groups gnomAD compares: African/African-American, 0.0027%; no homozygotes.

Submission:

Labcorp Genetics (formerly Invitae), Labcorp
Classification: Uncertain significance for Combined immunodeficiency due to LRBA deficiency. Last evaluated: 2022-12-08. Review status: criteria provided, single submitter. Criteria: Invitae Variant Classification Sherloc (09022015). Collection method: clinical testing. Allele origin: germline.
Comment: This variant is not present in population databases (gnomAD no frequency). This sequence change replaces threonine, which is neutral and polar, with alanine, which is neutral and non-polar, at codon 1643 of the LRBA protein (p.Thr1643Ala). This variant has not been reported in the literature in individuals affected with LRBA-related conditions. In summary, the available evidence is currently insufficient to determine the role of this variant in disease. Therefore, it has been classified as a Variant of Uncertain Significance. Advanced modeling of protein sequence and biophysical properties (such as structural, functional, and spatial information, amino acid conservation, physicochemical variation, residue mobility, and thermodynamic stability) performed at Invitae indicates that this missense variant is not expected to disrupt LRBA protein function.